The following is an entry in ClinVar:

NM_000322.5(PRPH2):c.246C>A (p.Cys82Ter)

Gene: PRPH2 (peripherin 2; minus strand). Cytogenetic location: 6p21.1.
Variant type: single nucleotide variant.
Coding change: c.246C>A on transcript NM_000322.5 (MANE Select); coding-DNA position 246, C replaced by A.
Protein change: p.Cys82Ter; replaces cysteine 82 with a stop codon.
Molecular consequence: nonsense.
Genome position (GRCh38, 1-based): chr6:42,722,089, G>T on the plus strand (C>A on the coding strand, the complement: PRPH2 is on the minus strand). VCF-style: chr6-42722089-G-T. GRCh37 (hg19) VCF-style: chr6-42689827-G-T.
Other names: short protein forms C82*.
Identifiers: ClinVar variation 865978 (VCV000865978.10), dbSNP rs1242862941, ClinGen allele CA364138153.

ClinVar aggregate classification (germline): Pathogenic/Likely pathogenic. Review status: criteria provided, multiple submitters, no conflicts (2 of 4 stars). 4 submissions from 4 submitters: Pathogenic (2); Likely pathogenic (1). 1 of the submissions does not count toward it. Last evaluated 2024-10-10.

Conditions:
Stargardt disease (FFM). Also called: Fundus flavimaculatus; Stargardt's disease. Identifiers: Orphanet 827, MedGen C0271093, MONDO:0019353.
PRPH2-related disorder. Also called: PRPH2-related disorders; PRPH2-related condition. Identifiers: MedGen CN239395.

Submissions (4):

Labcorp Genetics (formerly Invitae), Labcorp
Classification: Pathogenic for PRPH2-related disorder. Last evaluated: 2024-10-10. Review status: criteria provided, single submitter. Criteria: Invitae Variant Classification Sherloc (09022015). Collection method: clinical testing. Allele origin: germline.
Comment: This sequence change creates a premature translational stop signal (p.Cys82*) in the PRPH2 gene. It is expected to result in an absent or disrupted protein product. Loss-of-function variants in PRPH2 are known to be pathogenic (PMID: 8111389, 8485575, 8485576, 8675410, 16916875, 17504850, 22863181, 25675413, 26061163, 27365499, 29555955, 33546218). This variant is not present in population databases (gnomAD no frequency). This premature translational stop signal has been observed in individual(s) with Stargardt disease (PMID: 32531846). ClinVar contains an entry for this variant (Variation ID: 865978). For these reasons, this variant has been classified as Pathogenic.

Blueprint Genetics
Classification: Pathogenic for PRPH2-related disorders. Last evaluated: 2022-06-28. Review status: criteria provided, single submitter. Criteria: ACMG Guidelines, 2015. Collection method: clinical testing. Allele origin: germline. Affected: yes. Observed: 4 variant alleles.

NEI Ophthalmic Genomics Laboratory, National Institutes of Health
Classification: Likely pathogenic for Stargardt disease. Last evaluated: 2020-01-07. Review status: criteria provided, single submitter. Criteria: ACMG Guidelines, 2015. Collection method: clinical testing. Allele origin: germline. Affected: yes.
Comment: The variant NM_000322.4:c.246C>A in the PRPH2 gene has not been reported to our knowledge. This variant is not listed in dbSNP and/or HGMD. It is absent in gnomAD browser. It is not enriched in the PRPH2 disease cohort. We invoked ACMG criteria [PVS1, PM2] and classified NM_000322.4:c.246C>A in the PRPH2 gene as a Likely Pathogenic mutation.

Leiden Open Variation Database
Classification: Likely pathogenic. Last evaluated: 2021-04-06. Review status: no assertion criteria provided. Collection method: curation. Allele origin: germline. Affected: yes. Not counted in ClinVar's aggregate classification.
Comment: Curator: Global Variome, with Curator vacancy. Submitter to LOVD: Manon Peeters.

Literature cited by the submitters: PubMed 8111389 (cited by Labcorp Genetics (formerly Invitae), Labcorp); PubMed 8485575 (cited by Labcorp Genetics (formerly Invitae), Labcorp); PubMed 8485576 (cited by Labcorp Genetics (formerly Invitae), Labcorp); PubMed 8675410 (cited by Labcorp Genetics (formerly Invitae), Labcorp); PubMed 16916875 (cited by Labcorp Genetics (formerly Invitae), Labcorp); PubMed 17504850 (cited by Labcorp Genetics (formerly Invitae), Labcorp); PubMed 22863181 (cited by Labcorp Genetics (formerly Invitae), Labcorp); PubMed 25675413 (cited by Labcorp Genetics (formerly Invitae), Labcorp); PubMed 26061163 (cited by Labcorp Genetics (formerly Invitae), Labcorp); PubMed 27365499 (cited by Labcorp Genetics (formerly Invitae), Labcorp); PubMed 29555955 (cited by Labcorp Genetics (formerly Invitae), Labcorp); PubMed 33546218 (cited by Labcorp Genetics (formerly Invitae), Labcorp); PubMed 32531846 (cited by Labcorp Genetics (formerly Invitae), Labcorp and Leiden Open Variation Database); PubMed 30926958 (cited by Leiden Open Variation Database).